The following is an entry in ClinVar:

ClinVar aggregate classification (germline): Uncertain significance (1 of 4 stars; one submission).

Allele frequency attached by ClinVar (database versions not stated): TOPMed below 0.00001; gnomAD 0.00001; gnomAD exomes 0.00001; ExAC 0.00002.
gnomAD v4.1: 9 of 1,613,976 alleles (0.00056%); highest among the groups gnomAD compares: South Asian, 0.0033%; no homozygotes.

Submission:

Labcorp Genetics (formerly Invitae), Labcorp
Classification: Uncertain significance. Last evaluated: 2024-05-20. Review status: criteria provided, single submitter. Criteria: Invitae Variant Classification Sherloc (09022015). Collection method: clinical testing. Allele origin: germline.
Comment: This sequence change replaces serine, which is neutral and polar, with leucine, which is neutral and non-polar, at codon 924 of the KMT2A protein (p.Ser924Leu). This variant is present in population databases (rs781985434, gnomAD 0.006%). This variant has not been reported in the literature in individuals affected with KMT2A-related conditions. ClinVar contains an entry for this variant (Variation ID: 1897783). Advanced modeling of protein sequence and biophysical properties (such as structural, functional, and spatial information, amino acid conservation, physicochemical variation, residue mobility, and thermodynamic stability) performed at Invitae indicates that this missense variant is not expected to disrupt KMT2A protein function with a negative predictive value of 95%. In summary, the available evidence is currently insufficient to determine the role of this variant in disease. Therefore, it has been classified as a Variant of Uncertain Significance.

NM_001197104.2(KMT2A):c.2771C>T (p.Ser924Leu)

Gene: KMT2A (lysine methyltransferase 2A; plus strand). Cytogenetic location: 11q23.3.
Variant type: single nucleotide variant.
Coding change: c.2771C>T on transcript NM_001197104.2 (MANE Select); coding-DNA position 2771, C replaced by T.
Protein change: p.Ser924Leu; replaces serine 924 with leucine.
Molecular consequence: missense variant.
Genome position (GRCh38, 1-based): chr11:118,473,930, C>T. VCF-style: chr11-118473930-C-T. GRCh37 (hg19) VCF-style: chr11-118344645-C-T.
Other names: c.2870C>T, p.Ser957Leu (NM_001412597.1); c.2771C>T, p.Ser924Leu (NM_005933.4); short protein forms S924L, S957L.
Identifiers: ClinVar variation 1897783 (VCV001897783.5), dbSNP rs781985434, ClinGen allele CA6303558.